The following is an entry in ClinVar:

NM_002160.4(TNC):c.5394T>A (p.Ala1798=)

Gene: TNC (tenascin C; minus strand). Cytogenetic location: 9q33.1.
Variant type: single nucleotide variant.
Coding change: c.5394T>A on transcript NM_002160.4 (MANE Select); coding-DNA position 5394, T replaced by A.
Protein change: p.Ala1798=; no amino-acid change (alanine 1798 retained).
Molecular consequence: synonymous variant.
Genome position (GRCh38, 1-based): chr9:115,038,379, A>T on the plus strand (T>A on the coding strand, the complement: TNC is on the minus strand). VCF-style: chr9-115038379-A-T. GRCh37 (hg19) VCF-style: chr9-117800658-A-T.
Other names: c.4848T>A, p.Ala1616= (NM_001410991.1).
Identifiers: ClinVar variation 3353110 (VCV003353110.1).
Genomic context (GRCh38, chr9:115,038,379, plus strand): 5'-CCTGGCCAAGGCTTCTGAGTCAGTGATGTTGGCTGTCACCAGGCCAGATGGGCCATCCAG[A>T]GCTGCAAAGAAAGATGGTGGACAGGAGGGAAGTCATTGGGTGGGACATCAGACTCTAGCT-3'
Protein context (NP_002151.2, residues 1788-1808): SEPVSGSFTT[Ala1798=]LDGPSGLVTA

ClinVar aggregate classification (germline): Likely benign (0 of 4 stars; one submission).

Conditions:
TNC-related disorder. Also called: TNC-related condition.

Submission:

PreventionGenetics, part of Exact Sciences
Classification: Likely benign for TNC-related condition. Last evaluated: 2019-03-08. Review status: no assertion criteria provided. Collection method: clinical testing. Allele origin: germline.
Comment: This variant is classified as likely benign based on ACMG/AMP sequence variant interpretation guidelines (Richards et al. 2015 PMID: 25741868, with internal and published modifications).